The following is an entry in ClinVar:

NM_000487.6(ARSA):c.413C>G (p.Pro138Arg)

Gene: ARSA (arylsulfatase A; minus strand). Cytogenetic location: 22q13.33.
Variant type: single nucleotide variant.
Coding change: c.413C>G on transcript NM_000487.6 (MANE Select); coding-DNA position 413, C replaced by G.
Protein change: p.Pro138Arg; replaces proline 138 with arginine.
Molecular consequence: missense variant.
Genome position (GRCh38, 1-based): chr22:50,627,218, G>C on the plus strand (C>G on the coding strand, the complement: ARSA is on the minus strand). VCF-style: chr22-50627218-G-C. GRCh37 (hg19) VCF-style: chr22-51065646-G-C.
Other names: c.413C>G (NM_000487.5); c.413C>G, p.Pro138Arg (NM_001085425.3, NM_001085426.3, NM_001085427.3); c.155C>G, p.Pro52Arg (NM_001085428.3, NM_001362782.2); short protein forms P138R, P52R.
Identifiers: ClinVar variation 986957 (VCV000986957.9), dbSNP rs74315462, ClinGen allele CA412180391.
Genomic context (GRCh38, chr22:50,627,218, plus strand): 5'-GTTCCTACCTGGTCGTGGGAGTACGGGATGCCTAGAAATCGATGGAAGCCCTGATGGGGG[G>C]GCAGGAAGGCCCCCTCAGGCCCCACCCCAAGGTGCCACTTGCCGGCCATTCCTGTGAGGT-3'
Protein context (NP_000478.3, residues 128-148): LGVGPEGAFL[Pro138Arg]PHQGFHRFLG

ClinVar aggregate classification (germline): Pathogenic/Likely pathogenic. Review status: criteria provided, multiple submitters, no conflicts (2 of 4 stars). 5 submissions from 5 submitters: Pathogenic (1); Likely pathogenic (4). Last evaluated 2026-07-30.

Conditions:
Metachromatic leukodystrophy (MLD). Also called: SULFATIDE LIPIDOSIS; Cerebral sclerosis diffuse metachromatic form; Arylsulfatase A Deficiency; ARSA DEFICIENCY; CEREBROSIDE SULFATASE DEFICIENCY; METACHROMATIC LEUKOENCEPHALOPATHY. Identifiers: Orphanet 512, MedGen C0023522, MONDO:0018868, OMIM 250100.
Inborn genetic diseases. Identifiers: MedGen C0950123, MeSH D030342.

Submissions (5):

Ambry Genetics
Classification: Likely pathogenic for Inborn genetic diseases. Last evaluated: 2026-07-30. Review status: criteria provided, single submitter. Criteria: Ambry Variant Classification Scheme 2023. Collection method: clinical testing. Allele origin: germline.
Comment: The c.413C>G (p.P138R) alteration is located in exon 2 (coding exon 2) of the ARSA gene. This alteration results from a C to G substitution at nucleotide position 413, causing the proline (P) at amino acid position 138 to be replaced by an arginine (R). This variant was not reported in population-based cohorts in the Genome Aggregation Database (gnomAD). Other variant(s) at the same codon, c.413C>T (p.P138L), c.412C>T (p.P138S), and c.412C>A (p.P138T) have been identified in individual(s) with features consistent with metachromatic leukodystrophy (Kafert, 1995; Gort, 1999; Niida, 2012; Luo, 2021; Gowda, 2024). This amino acid position is highly conserved in available vertebrate species. Based on internal structural analysis, this variant is anticipated to result in a significant decrease in structural stability and is more disruptive than known pathogenic variants (Ambry internal data). This alteration is predicted to be deleterious by in silico analysis. Based on the available evidence, this alteration is classified as likely pathogenic.

Natera, Inc.
Classification: Likely pathogenic for Metachromatic leukodystrophy. Last evaluated: 2025-12-31. Review status: criteria provided, single submitter. Criteria: Natera Variant Classification Schema (03/2026). Collection method: clinical testing. Allele origin: germline.
Comment: The c.413C>G variant in ARSA is a missense variant predicted to cause substitution of proline to arginine at amino acid 138. This variant is rare in the general population with a frequency below the threshold expected for the associated phenotype(s). This variant has been observed in one or more individuals affected with the associated recessive disease, as either homozygous or compound heterozygous with a second variant (PMID: 36240581). A different variant at the same position has been determined to be Pathogenic or Likely Pathogenic. Computational prediction algorithms indicate this variant is likely to affect gene or protein function. Given the available evidence, this variant is classified as Likely Pathogenic.

Fulgent Genetics
Classification: Pathogenic for Metachromatic leukodystrophy. Last evaluated: 2024-01-12. Review status: criteria provided, single submitter. Criteria: ACMG Guidelines, 2015. Collection method: clinical testing. Allele origin: germline.

Labcorp Genetics (formerly Invitae), Labcorp
Classification: Likely pathogenic for Metachromatic leukodystrophy. Last evaluated: 2022-11-29. Review status: criteria provided, single submitter. Criteria: Invitae Variant Classification Sherloc (09022015). Collection method: clinical testing. Allele origin: germline.
Comment: This sequence change replaces proline, which is neutral and non-polar, with arginine, which is basic and polar, at codon 138 of the ARSA protein (p.Pro138Arg). This variant is not present in population databases (gnomAD no frequency). This variant has not been reported in the literature in individuals affected with ARSA-related conditions. ClinVar contains an entry for this variant (Variation ID: 986957). Advanced modeling of protein sequence and biophysical properties (such as structural, functional, and spatial information, amino acid conservation, physicochemical variation, residue mobility, and thermodynamic stability) performed at Invitae indicates that this missense variant is expected to disrupt ARSA protein function. This variant disrupts the p.Pro138 amino acid residue in ARSA. Other variant(s) that disrupt this residue have been determined to be pathogenic (PMID: 7860068). This suggests that this residue is clinically significant, and that variants that disrupt this residue are likely to be disease-causing. In summary, the currently available evidence indicates that the variant is pathogenic, but additional data are needed to prove that conclusively. Therefore, this variant has been classified as Likely Pathogenic.

Institute of Medical Genetics and Applied Genomics, University Hospital Tübingen
Classification: Likely pathogenic. Last evaluated: 2020-10-23. Review status: criteria provided, single submitter. Criteria: ACMG Guidelines, 2015. Collection method: clinical testing. Allele origin: germline. Inheritance: Autosomal recessive inheritance. Affected: yes.

Literature cited by the submitters: PubMed 7860068 (cited by Ambry Genetics and Labcorp Genetics (formerly Invitae), Labcorp); PubMed 10477432 (cited by Ambry Genetics); PubMed 22854541 (cited by Ambry Genetics); PubMed 38495240 (cited by Ambry Genetics); PubMed 36240581 (cited by Natera, Inc.).